The following is an entry in ClinVar:

NM_152783.5(D2HGDH):c.1328A>G (p.Asn443Ser)

Gene: D2HGDH (D-2-hydroxyglutarate dehydrogenase; plus strand). Cytogenetic location: 2q37.3.
Variant type: single nucleotide variant.
Coding change: c.1328A>G on transcript NM_152783.5 (MANE Select); coding-DNA position 1328, A replaced by G.
Protein change: p.Asn443Ser; replaces asparagine 443 with serine.
Molecular consequence: missense variant. On other transcripts: non-coding transcript variant (1).
Genome position (GRCh38, 1-based): chr2:241,767,731, A>G. VCF-style: chr2-241767731-A-G. GRCh37 (hg19) VCF-style: chr2-242707146-A-G.
Other names: c.1328A>G (NM_152783.3); c.926A>G, p.Asn309Ser (NM_001287249.2); c.767A>G, p.Asn256Ser (NM_001352824.2); short protein forms N256S, N309S, N443S.
Identifiers: ClinVar variation 1494698 (VCV001494698.7), dbSNP rs149519095, ClinGen allele CA2222205.

ClinVar aggregate classification (germline): Uncertain significance. Review status: criteria provided, multiple submitters, no conflicts (2 of 4 stars). 4 submissions from 4 submitters: Uncertain significance (4). Last evaluated 2025-08-19.

Conditions:
Inborn genetic diseases. Identifiers: MedGen C0950123, MeSH D030342.
D-2-hydroxyglutaric aciduria 1 (D2HGA1). Identifiers: Orphanet 79315, MedGen C3152055, MONDO:0024554, OMIM 600721.

Allele frequency attached by ClinVar (database versions not stated): gnomAD exomes 0.00002; ExAC 0.00003; TOPMed 0.00006; gnomAD 0.00011; 1000 Genomes Project 30x 0.00016.
gnomAD v4.1: 41 of 1,612,896 alleles (0.0025%); highest among the groups gnomAD compares: African/African-American, 0.023%; no homozygotes.

Submissions (4):

Ambry Genetics
Classification: Uncertain significance for Inborn genetic diseases. Last evaluated: 2025-08-19. Review status: criteria provided, single submitter. Criteria: Ambry Variant Classification Scheme 2023. Collection method: clinical testing. Allele origin: germline.

Labcorp Genetics (formerly Invitae), Labcorp
Classification: Uncertain significance for D-2-hydroxyglutaric aciduria 1. Last evaluated: 2022-11-08. Review status: criteria provided, single submitter. Criteria: Invitae Variant Classification Sherloc (09022015). Collection method: clinical testing. Allele origin: germline.
Comment: This sequence change replaces asparagine, which is neutral and polar, with serine, which is neutral and polar, at codon 443 of the D2HGDH protein (p.Asn443Ser). In summary, the available evidence is currently insufficient to determine the role of this variant in disease. Therefore, it has been classified as a Variant of Uncertain Significance. Advanced modeling of protein sequence and biophysical properties (such as structural, functional, and spatial information, amino acid conservation, physicochemical variation, residue mobility, and thermodynamic stability) has been performed at Invitae for this missense variant, however the output from this modeling did not meet the statistical confidence thresholds required to predict the impact of this variant on D2HGDH protein function. ClinVar contains an entry for this variant (Variation ID: 1494698). This variant has not been reported in the literature in individuals affected with D2HGDH-related conditions. This variant is present in population databases (rs149519095, gnomAD 0.02%).

Blueprint Genetics
Classification: Uncertain significance. Last evaluated: 2018-05-17. Review status: criteria provided, single submitter. Criteria: ACMG Guidelines, 2015. Collection method: clinical testing. Allele origin: germline.

Breakthrough Genomics
Classification: Uncertain significance. Review status: criteria provided, single submitter. Criteria: ACMG Guidelines, 2015. Collection method: not provided. Allele origin: germline. Inheritance: Autosomal recessive inheritance. Affected: yes.